The following is an entry in ClinVar:

ClinVar aggregate classification (germline): Uncertain significance (1 of 4 stars; one submission).

Submission:

Ambry Genetics
Classification: Uncertain significance. Last evaluated: 2020-08-26. Review status: criteria provided, single submitter. Criteria: Ambry Variant Classification Scheme 2023. Collection method: clinical testing. Allele origin: germline.
Comment: The p.T134R variant (also known as c.401C>G), located in coding exon 4 of the RECQL gene, results from a C to G substitution at nucleotide position 401. The threonine at codon 134 is replaced by arginine, an amino acid with similar properties. This amino acid position is highly conserved in available vertebrate species. In addition, this alteration is predicted to be deleterious by in silico analysis. Since supporting evidence is limited at this time, the clinical significance of this alteration remains unclear.

NM_002907.4(RECQL):c.401C>G (p.Thr134Arg)

Gene: RECQL (RecQ like helicase; minus strand). Cytogenetic location: 12p12.1.
Variant type: single nucleotide variant.
Coding change: c.401C>G on transcript NM_002907.4 (MANE Select); coding-DNA position 401, C replaced by G.
Protein change: p.Thr134Arg; replaces threonine 134 with arginine.
Molecular consequence: missense variant.
Genome position (GRCh38, 1-based): chr12:21,486,579, G>C on the plus strand (C>G on the coding strand, the complement: RECQL is on the minus strand). VCF-style: chr12-21486579-G-C. GRCh37 (hg19) VCF-style: chr12-21639513-G-C.
Other names: c.401C>G, p.Thr134Arg (NM_032941.3); short protein forms T134R.
Identifiers: ClinVar variation 1737091 (VCV001737091.2), dbSNP rs150306543, ClinGen allele CA384130424.